The following is an entry in ClinVar:

ClinVar aggregate classification (germline): Uncertain significance (1 of 4 stars; one submission).

Submission:

ARUP Laboratories, Molecular Genetics and Genomics, ARUP Laboratories
Classification: Uncertain significance. Last evaluated: 2017-06-23. Review status: criteria provided, single submitter. Criteria: ARUP Molecular Germline Variant Investigation Process. Collection method: clinical testing. Allele origin: germline.
Comment: The p.Thr2091Ala variant has not been reported in the medical literature, is not listed in gene-specific variant databases, nor has it been previously identified in our laboratory. It is also absent from population databases such as 1000 Genomes, the NHLBI GO Exome Sequencing Project (ESP), and the Genome Aggregation Database (gnomAD) browser. The threonine at codon 2091 is weakly conserved considering 13 species (Alamut software v2.9), and computational analyses suggest this variant does not have a significant effect on ATRX protein structure/function (SIFT: tolerated, PolyPhen2: benign, and Mutation Taster: polymorphism). However, based on the available information, the clinical significance of the p.Thr2091Ala variant cannot be determined with certainty.

NM_000489.6(ATRX):c.6271A>G (p.Thr2091Ala)

Gene: ATRX (ATRX chromatin remodeler; minus strand). Cytogenetic location: Xq21.1.
Variant type: single nucleotide variant.
Coding change: c.6271A>G on transcript NM_000489.6 (MANE Select); coding-DNA position 6271, A replaced by G.
Protein change: p.Thr2091Ala; replaces threonine 2091 with alanine.
Molecular consequence: missense variant.
Genome position (GRCh38, 1-based): chrX:77,574,305, T>C on the plus strand (A>G on the coding strand, the complement: ATRX is on the minus strand). VCF-style: chrX-77574305-T-C. GRCh37 (hg19) VCF-style: chrX-76829770-T-C.
Other names: c.6157A>G, p.Thr2053Ala (NM_138270.5); short protein forms T2091A, T2053A.
Identifiers: ClinVar variation 618544 (VCV000618544.8), dbSNP rs1569525091, ClinGen allele CA413701089.
Genomic context (GRCh38, chrX:77,574,305, plus strand): 5'-CCTACCTCACATTAGTTTCATCATTAAATTCTTCAGCCCACTTCTTCCTTGACTGTGCAG[T>C]AGTGGAACCATCTAAACGGTAATAGTCAATGTTTCGAAGCCACTTCCCCTCACCTGAAAA-3'
Protein context (NP_000480.3, residues 2081-2101): IDYYRLDGST[Thr2091Ala]AQSRKKWAEE